The following is an entry in ClinVar:

NM_001252275.3(UGT2A1):c.716-7_716-6insTTTTTTTTTTTTTTTTTTTTTTT

Genes: UGT2A1 (UDP glucuronosyltransferase family 2 member A1 complex locus; minus strand), UGT2A2 (UDP glucuronosyltransferase family 2 member A2; minus strand). Cytogenetic location: 4q13.3.
Variant type: Insertion.
Coding change: c.716-7_716-6insTTTTTTTTTTTTTTTTTTTTTTT on transcript NM_001252275.3 (MANE Select); 7 bases into the intron before coding-DNA position 716 through 6 bases into the intron before coding-DNA position 716, TTTTTTTTTTTTTTTTTTTTTTT inserted.
Molecular consequence: intron variant.
Genome position: GRCh38 VCF-style: chr4-69635828-C-CAAAAAAAAAAAAAAAAAAAAAAA. GRCh37 (hg19) VCF-style: chr4-70501546-C-CAAAAAAAAAAAAAAAAAAAAAAA.
Other names: c.715+11101_715+11102insTTTTTTTTTTTTTTTTTTTTTTT (NM_001301239.2, NM_006798.5); c.1345+3070_1345+3071insTTTTTTTTTTTTTTTTTTTTTTT (NM_001252274.3, NM_001389565.1); c.742+3070_742+3071insTTTTTTTTTTTTTTTTTTTTTTT (NM_001301233.1, NM_001105677.2).
Identifiers: ClinVar variation 3771717 (VCV003771717.13).

ClinVar aggregate classification (germline): Likely benign (1 of 4 stars; one submission).

Submission:

CeGaT Center for Human Genetics Tuebingen
Classification: Likely benign. Last evaluated: 2025-02-01. Review status: criteria provided, single submitter. Criteria: CeGaT Center For Human Genetics Tuebingen Variant Classification Criteria Version 2. Collection method: clinical testing. Allele origin: germline. Affected: yes. Observed: 1 variant allele.
Comment: UGT2A1: BP4, BS2